The following is an entry in ClinVar:

ClinVar aggregate classification (germline): Uncertain significance (1 of 4 stars; one submission).

Submission:

Labcorp Genetics (formerly Invitae), Labcorp
Classification: Uncertain significance. Last evaluated: 2024-10-16. Review status: criteria provided, single submitter. Criteria: Invitae Variant Classification Sherloc (09022015). Collection method: clinical testing. Allele origin: germline.
Comment: This sequence change creates a premature translational stop signal (p.Leu4Trpfs*80) in the GUF1 gene. It is expected to result in an absent or disrupted protein product. However, the current clinical and genetic evidence is not sufficient to establish whether loss-of-function variants in GUF1 cause disease. This variant is present in population databases (rs776304007, gnomAD 0.005%). This variant has not been reported in the literature in individuals affected with GUF1-related conditions. ClinVar contains an entry for this variant (Variation ID: 1398092). In summary, the available evidence is currently insufficient to determine the role of this variant in disease. Therefore, it has been classified as a Variant of Uncertain Significance.

NM_021927.3(GUF1):c.9_12del (p.Leu4fs)

Genes: GUF1 (GTP binding elongation factor GUF1; plus strand), LOC129992541 (ATAC-STARR-seq lymphoblastoid silent region 15397; plus strand). Cytogenetic location: 4p12.
Variant type: Deletion.
Coding change: c.9_12del on transcript NM_021927.3 (MANE Select); coding-DNA positions 9 to 12, 4 bases deleted (CCTC; older notation c.9_12delCCTC).
Protein change: p.Leu4fs; shifts the reading frame from leucine 4.
Molecular consequence: frameshift variant. On other transcripts: 5 prime UTR variant (2).
Genome position (GRCh38, 1-based): chr4:44,678,631-44,678,634, CCTC deleted; deleting any 4 consecutive bases within chr4:44,678,630-44,678,634 gives the same sequence; the c. name uses the placement nearest the transcript's 3' end. VCF-style (leftmost placement, unchanged base first): chr4-44678629-ACCCT-A. GRCh37 (hg19) VCF-style: chr4-44680646-ACCCT-A.
Other names: c.-960_-957del (NM_001345867.2); c.9_12del, p.Leu4fs (NM_001345868.2); c.-852_-849del (NM_001345869.2); short protein forms L4fs.
Identifiers: ClinVar variation 1398092 (VCV001398092.6), dbSNP rs776304007, ClinGen allele CA2905154.